The following is an entry in ClinVar:

NM_018194.6(HHAT):c.653C>T (p.Pro218Leu)

Gene: HHAT (hedgehog acyltransferase; plus strand). Cytogenetic location: 1q32.2.
Variant type: single nucleotide variant.
Coding change: c.653C>T on transcript NM_018194.6 (MANE Select); coding-DNA position 653, C replaced by T.
Protein change: p.Pro218Leu; replaces proline 218 with leucine.
Molecular consequence: missense variant. On other transcripts: intron variant (1).
Genome position (GRCh38, 1-based): chr1:210,404,648, C>T. VCF-style: chr1-210404648-C-T. GRCh37 (hg19) VCF-style: chr1-210577992-C-T.
Other names: c.653C>T, p.Pro218Leu (NM_001122834.4, NM_001170580.3); c.656C>T, p.Pro219Leu (NM_001170587.3); c.458C>T, p.Pro153Leu (NM_001170588.3); c.274-13506C>T (NM_001170564.3); short protein forms P153L, P218L, P219L.
Identifiers: ClinVar variation 3623747 (VCV003623747.2).

ClinVar aggregate classification (germline): Uncertain significance (1 of 4 stars; one submission).

Submission:

Labcorp Genetics (formerly Invitae), Labcorp
Classification: Uncertain significance. Last evaluated: 2024-06-17. Review status: criteria provided, single submitter. Criteria: Invitae Variant Classification Sherloc (09022015). Collection method: clinical testing. Allele origin: germline.
Comment: This sequence change replaces proline, which is neutral and non-polar, with leucine, which is neutral and non-polar, at codon 218 of the HHAT protein (p.Pro218Leu). This variant is not present in population databases (gnomAD no frequency). This variant has not been reported in the literature in individuals affected with HHAT-related conditions. Advanced modeling of protein sequence and biophysical properties (such as structural, functional, and spatial information, amino acid conservation, physicochemical variation, residue mobility, and thermodynamic stability) performed at Invitae indicates that this missense variant is expected to disrupt HHAT protein function with a positive predictive value of 80%. In summary, the available evidence is currently insufficient to determine the role of this variant in disease. Therefore, it has been classified as a Variant of Uncertain Significance.